The following is an entry in ClinVar:

ClinVar aggregate classification (germline): Uncertain significance (1 of 4 stars; one submission).

Conditions:
Hereditary cancer-predisposing syndrome. Also called: Neoplastic Syndromes, Hereditary; Tumor predisposition; Hereditary Cancer Syndrome; Hereditary neoplastic syndrome. Identifiers: Orphanet 140162, MedGen C0027672, MeSH D009386, MONDO:0015356.

Submission:

Ambry Genetics
Classification: Uncertain significance for Hereditary cancer-predisposing syndrome. Last evaluated: 2025-09-19. Review status: criteria provided, single submitter. Criteria: Ambry Variant Classification Scheme 2023. Collection method: clinical testing. Allele origin: germline.
Comment: The p.F1262L variant (also known as c.3786C>A), located in coding exon 25 of the RAD50 gene, results from a C to A substitution at nucleotide position 3786. The phenylalanine at codon 1262 is replaced by leucine, an amino acid with highly similar properties. This amino acid position is conserved. In addition, the in silico prediction for this alteration is inconclusive. Based on the available evidence, the clinical significance of this variant remains unclear.

NM_005732.4(RAD50):c.3786C>A (p.Phe1262Leu)

Genes: RAD50 (RAD50 double strand break repair protein; plus strand), TH2LCRR (T helper type 2 locus control region associated RNA; minus strand). Cytogenetic location: 5q31.1.
Variant type: single nucleotide variant.
Coding change: c.3786C>A on transcript NM_005732.4 (MANE Select); coding-DNA position 3786, C replaced by A.
Protein change: p.Phe1262Leu; replaces phenylalanine 1262 with leucine.
Molecular consequence: missense variant. On other transcripts: non-coding transcript variant (1).
Genome position (GRCh38, 1-based): chr5:132,642,211, C>A. VCF-style: chr5-132642211-C-A. GRCh37 (hg19) VCF-style: chr5-131977903-C-A.
Other names: short protein forms F1262L.
Identifiers: ClinVar variation 4677788 (VCV004677788.1).